The following is an entry in ClinVar:

ClinVar aggregate classification (germline): Likely benign (1 of 4 stars; one submission).

Allele frequency attached by ClinVar (database versions not stated): ExAC 0.00002; gnomAD 0.00003; TOPMed 0.00003; gnomAD exomes 0.00004; ESP Exome Variant Server 0.00008.
gnomAD v4.1: 65 of 1,606,700 alleles (0.004%); highest among the groups gnomAD compares: Non-Finnish European, 0.0054%; no homozygotes.

Submission:

CeGaT Center for Human Genetics Tuebingen
Classification: Likely benign. Last evaluated: 2022-11-01. Review status: criteria provided, single submitter. Criteria: CeGaT Center For Human Genetics Tuebingen Variant Classification Criteria Version 2. Collection method: clinical testing. Allele origin: germline. Affected: yes. Observed: 1 variant allele.
Comment: CCDC180: BP4, BP7

NM_020893.6(CCDC180):c.165G>A (p.Val55=)

Genes: CCDC180 (coiled-coil domain containing 180; plus strand), SUGT1P4-STRA6LP-CCDC180 (SUGT1P4-STRA6LP-CCDC180 readthrough; plus strand). Cytogenetic location: 9q22.33.
Variant type: single nucleotide variant.
Coding change: c.165G>A on transcript NM_020893.6 (MANE Select); coding-DNA position 165, G replaced by A.
Protein change: p.Val55=; no amino-acid change (valine 55 retained).
Molecular consequence: synonymous variant. On other transcripts: non-coding transcript variant (3).
Genome position (GRCh38, 1-based): chr9:97,309,509, G>A. VCF-style: chr9-97309509-G-A. GRCh37 (hg19) VCF-style: chr9-100071791-G-A.
Other names: c.165G>A, p.Val55= (NM_001348010.4).
Identifiers: ClinVar variation 2659329 (VCV002659329.24), dbSNP rs374421284, ClinGen allele CA5144845.